The following is an entry in ClinVar:

NM_015046.7(SETX):c.2623_2626del (p.Val875fs)

Gene: SETX (senataxin; minus strand). Cytogenetic location: 9q34.13.
Variant type: Deletion.
Coding change: c.2623_2626del on transcript NM_015046.7 (MANE Select); coding-DNA positions 2623 to 2626, 4 bases deleted (GTTA; older notation c.2623_2626delGTTA).
Protein change: p.Val875fs; shifts the reading frame from valine 875.
Molecular consequence: frameshift variant.
Genome position (GRCh38, 1-based): chr9:132,328,972-132,328,975, TAAC deleted on the plus strand (GTTA on the coding strand, the reverse complement: SETX is on the minus strand); deleting any 4 consecutive bases within chr9:132,328,972-132,328,978 gives the same sequence; the c. name uses the placement nearest the transcript's 3' end. VCF-style (leftmost placement, unchanged base first): chr9-132328971-ATAAC-A. GRCh37 (hg19) VCF-style: chr9-135204358-ATAAC-A.
Other names: c.2623_2626del, p.Val875fs (NM_001351527.2, NM_001351528.2); short protein forms V875fs.
Identifiers: ClinVar variation 5007411 (VCV005007411.2).

ClinVar aggregate classification (germline): Pathogenic (1 of 4 stars; one submission).

Conditions:
Spinocerebellar ataxia, autosomal recessive, with axonal neuropathy 2 (SCAN2). Also called: Ataxia with Oculomotor Apraxia; Ataxia-ocular apraxia-2; Ataxia with Oculomotor Apraxia Type 2; ATAXIA-OCULOMOTOR APRAXIA 2. Identifiers: Orphanet 64753, MedGen C1853761, MONDO:0018996, OMIM 606002.

Submission:

Juno Genomics, Hangzhou Juno Genomics, Inc
Classification: Pathogenic for Spinocerebellar ataxia, autosomal recessive, with axonal neuropathy 2. Review status: criteria provided, single submitter. Criteria: ACMG Guidelines, 2015. Collection method: clinical testing. Allele origin: germline.
Comment: Absent from controls (or at extremely low frequency if recessive) in Genome Aggregation Database.;Null variant in a gene where loss of function (LOF) is a known mechanism of disease.;For recessive disorders, detected in trans with a pathogenic variant.